The following is an entry in ClinVar:

NM_001943.5(DSG2):c.1487G>A (p.Cys496Tyr)

Gene: DSG2 (desmoglein 2; plus strand). Cytogenetic location: 18q12.1.
Variant type: single nucleotide variant.
Coding change: c.1487G>A on transcript NM_001943.5 (MANE Select); coding-DNA position 1487, G replaced by A.
Protein change: p.Cys496Tyr; replaces cysteine 496 with tyrosine.
Molecular consequence: missense variant.
Genome position (GRCh38, 1-based): chr18:31,536,265, G>A. VCF-style: chr18-31536265-G-A. GRCh37 (hg19) VCF-style: chr18-29116228-G-A.
Other names: c.1487G>A (NM_001943.3); short protein forms C496Y.
Identifiers: ClinVar variation 920977 (VCV000920977.15), dbSNP rs1346150383, ClinGen allele CA402141425.
Genomic context (GRCh38, chr18:31,536,265, plus strand): 5'-ATCCTAGAAAAACCATCACTGGCACAGTCCTTATCAATGTTGAAGACATCAACGACAACT[G>A]TCCCACACTGATAGAGCCTGTGCAGACAATCTGTCACGATGCAGAGTATGTGAATGTTAC-3'
Protein context (NP_001934.2, residues 486-506): LINVEDINDN[Cys496Tyr]PTLIEPVQTI

ClinVar aggregate classification (germline): Uncertain significance. Review status: criteria provided, multiple submitters, no conflicts (2 of 4 stars). 4 submissions from 4 submitters: Uncertain significance (4). Last evaluated 2025-10-05.

Conditions:
Cardiovascular phenotype. Identifiers: MedGen CN230736.
Arrhythmogenic right ventricular cardiomyopathy (ARVD). Also called: Arrhythmogenic cardiomyopathy; Cardiomyopathy, ARVC; Arrhythmogenic right ventricular dysplasia; Arrhythmogenic Right Ventricular Cardiomyopathy (ARVC). Identifiers: Orphanet 247, MedGen C0349788, MeSH D019571, MONDO:0016587. Disease mechanism: loss of function. Inheritance: Various modes of inheritance.
Cardiomyopathy (CMYO). Also called: Cardiomyopathies. Identifiers: Orphanet 167848, MedGen C0878544, MONDO:0004994, HP:0001638. Inheritance: Various modes of inheritance.
Arrhythmogenic right ventricular dysplasia 10. Also called: Arrhythmogenic Right Ventricular Dysplasia/Cardiomyopathy10; ARRHYTHMOGENIC RIGHT VENTRICULAR DYSPLASIA, FAMILIAL, 10; Arrhythmogenic right ventricular dysplasia/cardiomyopathy, type 10. Identifiers: MedGen C1857777, MONDO:0012434, OMIM 610193.

Allele frequency attached by ClinVar (database versions not stated): gnomAD exomes below 0.00001; TOPMed 0.00001.

Submissions (4):

Ambry Genetics
Classification: Uncertain significance for Cardiovascular phenotype. Last evaluated: 2025-10-05. Review status: criteria provided, single submitter. Criteria: Ambry Variant Classification Scheme 2023. Collection method: clinical testing. Allele origin: germline.
Comment: The p.C496Y variant (also known as c.1487G>A), located in coding exon 11 of the DSG2 gene, results from a G to A substitution at nucleotide position 1487. The cysteine at codon 496 is replaced by tyrosine, an amino acid with highly dissimilar properties. This amino acid position is conserved. In addition, this alteration is predicted to be deleterious by in silico analysis. Based on the available evidence, the clinical significance of this variant remains unclear.

Color Diagnostics, LLC DBA Color Health
Classification: Uncertain significance for Cardiomyopathy. Last evaluated: 2024-03-06. Review status: criteria provided, single submitter. Criteria: ACMG Guidelines, 2015. Collection method: clinical testing. Allele origin: germline.
Comment: This missense variant replaces cysteine with tyrosine at codon 496 of the DSG2 protein. Computational prediction is inconclusive regarding the impact of this variant on protein structure and function (internally defined REVEL score threshold 0.5 < inconclusive < 0.7, PMID: 27666373). To our knowledge, functional studies have not been reported for this variant. This variant has not been reported in individuals affected with cardiovascular disorders in the literature. This variant has been identified in 1/249410 chromosomes in the general population by the Genome Aggregation Database (gnomAD). The available evidence is insufficient to determine the role of this variant in disease conclusively. Therefore, this variant is classified as a Variant of Uncertain Significance.

Labcorp Genetics (formerly Invitae), Labcorp
Classification: Uncertain significance for Arrhythmogenic right ventricular dysplasia 10. Last evaluated: 2024-02-12. Review status: criteria provided, single submitter. Criteria: Invitae Variant Classification Sherloc (09022015). Collection method: clinical testing. Allele origin: germline.
Comment: This sequence change replaces cysteine, which is neutral and slightly polar, with tyrosine, which is neutral and polar, at codon 496 of the DSG2 protein (p.Cys496Tyr). This variant is present in population databases (no rsID available, gnomAD no frequency). This variant has not been reported in the literature in individuals affected with DSG2-related conditions. ClinVar contains an entry for this variant (Variation ID: 920977). Advanced modeling of protein sequence and biophysical properties (such as structural, functional, and spatial information, amino acid conservation, physicochemical variation, residue mobility, and thermodynamic stability) performed at Invitae indicates that this missense variant is not expected to disrupt DSG2 protein function with a negative predictive value of 95%. In summary, the available evidence is currently insufficient to determine the role of this variant in disease. Therefore, it has been classified as a Variant of Uncertain Significance.

All of Us Research Program, National Institutes of Health
Classification: Uncertain significance for Arrhythmogenic right ventricular cardiomyopathy. Last evaluated: 2024-01-11. Review status: criteria provided, single submitter. Criteria: ACMG Guidelines, 2015. Collection method: clinical testing. Allele origin: germline. Inheritance: Autosomal dominant inheritance. Observed: 3 variant alleles, 3 heterozygotes.
Comment: This missense variant replaces cysteine with tyrosine at codon 496 of the DSG2 protein. Computational prediction is inconclusive regarding the impact of this variant on protein structure and function (internally defined REVEL score threshold 0.5 < inconclusive < 0.7, PMID: 27666373). To our knowledge, functional studies have not been reported for this variant. This variant has not been reported in individuals affected with cardiovascular disorders in the literature. This variant has been identified in 1/249410 chromosomes in the general population by the Genome Aggregation Database (gnomAD). The available evidence is insufficient to determine the role of this variant in disease conclusively. Therefore, this variant is classified as a Variant of Uncertain Significance.

This study involves interpretation of variants in research participants for the purpose of population health screening. Participant phenotype was not available at the time of variant classification. Additional details can be found in publication PMID: 35346344, PMCID: PMC8962531